The following is an entry in ClinVar:

ClinVar aggregate classification (germline): Uncertain significance. Review status: criteria provided, multiple submitters, no conflicts (2 of 4 stars). 2 submissions from 2 submitters: Uncertain significance (2). Last evaluated 2026-09-14.

Conditions:
Cardiovascular phenotype. Identifiers: MedGen CN230736.

Submissions (2):

Ambry Genetics
Classification: Uncertain significance for Cardiovascular phenotype. Last evaluated: 2026-09-14. Review status: criteria provided, single submitter. Criteria: Ambry Variant Classification Scheme 2023. Collection method: clinical testing. Allele origin: germline.
Comment: The p.P1157A variant (also known as c.3469C>G), located in coding exon 31 of the MYBPC3 gene, results from a C to G substitution at nucleotide position 3469. The proline at codon 1157 is replaced by alanine, an amino acid with highly similar properties. This amino acid position is not well conserved in available vertebrate species. In addition, this alteration is predicted to be tolerated by in silico analysis. Based on the available evidence, the clinical significance of this variant remains unclear.

Laboratory for Molecular Medicine, Mass General Brigham Personalized Medicine
Classification: Uncertain significance. Last evaluated: 2014-09-26. Review status: criteria provided, single submitter. Criteria: LMM Criteria. Collection method: clinical testing. Allele origin: germline. Observed: 1 variant allele.
Comment: The Pro1157Ala variant in MYBPC3 has not been previously reported in individuals with cardiomyopathy and was absent from large population studies. Proline (Pro) is not conserved in evolutionarily distant species and the change to Alanine (A la) is present in collared flycatch. Additional computational prediction tools d o not provide strong evidence for or against an impact to the protein. In summar y, the clinical significance of the Pro1157Ala variant is uncertain.

NM_000256.3(MYBPC3):c.3469C>G (p.Pro1157Ala)

Gene: MYBPC3 (myosin binding protein C3; minus strand). Cytogenetic location: 11p11.2.
Variant type: single nucleotide variant.
Coding change: c.3469C>G on transcript NM_000256.3 (MANE Select); coding-DNA position 3469, C replaced by G.
Protein change: p.Pro1157Ala; replaces proline 1157 with alanine.
Molecular consequence: missense variant.
Genome position (GRCh38, 1-based): chr11:47,332,835, G>C on the plus strand (C>G on the coding strand, the complement: MYBPC3 is on the minus strand). VCF-style: chr11-47332835-G-C. GRCh37 (hg19) VCF-style: chr11-47354386-G-C.
Other names: short protein forms P1157A.
Identifiers: ClinVar variation 180012 (VCV000180012.5), dbSNP rs727505286, ClinGen allele CA014178.